The following is an entry in ClinVar:

NM_001083619.3(GRIA2):c.1939G>C (p.Val647Leu)

Gene: GRIA2 (glutamate ionotropic receptor AMPA type subunit 2; plus strand). Cytogenetic location: 4q32.1.
Variant type: single nucleotide variant.
Coding change: c.1939G>C on transcript NM_001083619.3 (MANE Select); coding-DNA position 1939, G replaced by C.
Protein change: p.Val647Leu; replaces valine 647 with leucine.
Molecular consequence: missense variant.
Genome position (GRCh38, 1-based): chr4:157,341,358, G>C. VCF-style: chr4-157341358-G-C. GRCh37 (hg19) VCF-style: chr4-158262510-G-C.
Other names: c.1939G>C, p.Val647Leu (NM_000826.6); c.1798G>C, p.Val600Leu (NM_001083620.3, NM_001379000.3, NM_001379001.3); short protein forms V647L, V600L.
Identifiers: ClinVar variation 929842 (VCV000929842.2), dbSNP rs765072736, ClinGen allele CA358648946.

ClinVar aggregate classification (germline): Pathogenic. Review status: criteria provided, single submitter (1 of 4 stars). 2 submissions from 2 submitters: Pathogenic (1). 1 of the submissions does not count toward it. Last evaluated 2021-04-01.

Conditions:
Neurodevelopmental disorder with language impairment and behavioral abnormalities. Also called: GRIA2-related neurodevelopmental disorder. Identifiers: MedGen C5394502, MONDO:0030060, OMIM 618917.

Submissions (2):

SIB Swiss Institute of Bioinformatics
Classification: Pathogenic for Neurodevelopmental disorder with language impairment and behavioral abnormalities. Last evaluated: 2021-04-01. Review status: criteria provided, single submitter. Criteria: ACMG Guidelines, 2015. Collection method: curation. Allele origin: unknown.
Comment: This variant is interpreted as pathogenic for Neurodevelopmental disorder with language impairment and behavioral abnormalities, autosomal dominant. The following ACMG Tag(s) were applied: Absent from controls (or at extremely low frequency if recessive) in Exome Sequencing Project, 1000 Genomes Project, or Exome Aggregation Consortium (PM2); De novo (paternity and maternity confirmed) (PS2 upgraded to very strong: novo occurrence has been detected in four unrelated patients); Multiple lines of computational evidence support a deleterious effect on the gene or gene product (PP3); Missense variant in a gene that has a low rate of benign missense variation and in which missense variants are a common mechanism of disease (PP2).

OMIM
Classification: Pathogenic for NEURODEVELOPMENTAL DISORDER WITH LANGUAGE IMPAIRMENT AND BEHAVIORAL ABNORMALITIES. Last evaluated: 2020-06-25. Review status: no assertion criteria provided. Collection method: literature only. Allele origin: germline. Not counted in ClinVar's aggregate classification.

Literature cited by the submitters: PubMed 31300657 (cited by SIB Swiss Institute of Bioinformatics and OMIM).